The following is an entry in ClinVar:

ClinVar aggregate classification (germline): Uncertain significance (1 of 4 stars; one submission).

Allele frequency attached by ClinVar (database versions not stated): gnomAD exomes below 0.00001; gnomAD 0.00001.

Submission:

Labcorp Genetics (formerly Invitae), Labcorp
Classification: Uncertain significance. Last evaluated: 2022-04-22. Review status: criteria provided, single submitter. Criteria: Invitae Variant Classification Sherloc (09022015). Collection method: clinical testing. Allele origin: germline.
Comment: This sequence change replaces leucine, which is neutral and non-polar, with phenylalanine, which is neutral and non-polar, at codon 263 of the FLVCR2 protein (p.Leu263Phe). This variant is present in population databases (no rsID available, gnomAD 0.0009%). This variant has not been reported in the literature in individuals affected with FLVCR2-related conditions. Algorithms developed to predict the effect of missense changes on protein structure and function output the following: SIFT: "Tolerated"; PolyPhen-2: "Benign"; Align-GVGD: "Class C0". The phenylalanine amino acid residue is found in multiple mammalian species, which suggests that this missense change does not adversely affect protein function. In summary, the available evidence is currently insufficient to determine the role of this variant in disease. Therefore, it has been classified as a Variant of Uncertain Significance.

NM_017791.3(FLVCR2):c.787C>T (p.Leu263Phe)

Gene: FLVCR2 (FLVCR choline and putative heme transporter 2; plus strand). Cytogenetic location: 14q24.3.
Variant type: single nucleotide variant.
Coding change: c.787C>T on transcript NM_017791.3 (MANE Select); coding-DNA position 787, C replaced by T.
Protein change: p.Leu263Phe; replaces leucine 263 with phenylalanine.
Molecular consequence: missense variant.
Genome position (GRCh38, 1-based): chr14:75,622,196, C>T. VCF-style: chr14-75622196-C-T. GRCh37 (hg19) VCF-style: chr14-76088539-C-T.
Other names: c.172C>T, p.Leu58Phe (NM_001195283.2); short protein forms L263F, L58F.
Identifiers: ClinVar variation 1937139 (VCV001937139.5), dbSNP rs1048710646, ClinGen allele CA263670165.